The following is an entry in ClinVar:

ClinVar aggregate classification (germline): Uncertain significance (1 of 4 stars; one submission).

Submission:

Labcorp Genetics (formerly Invitae), Labcorp
Classification: Uncertain significance. Last evaluated: 2025-03-27. Review status: criteria provided, single submitter. Criteria: Invitae Variant Classification Sherloc (09022015). Collection method: clinical testing. Allele origin: germline.
Comment: This variant, c.10321_10323del, results in the deletion of 1 amino acid(s) of the FAT1 protein (p.Ser3441del), but otherwise preserves the integrity of the reading frame. This variant is present in population databases (rs763135780, gnomAD 0.01%), including at least one homozygous and/or hemizygous individual. This variant has not been reported in the literature in individuals affected with FAT1-related conditions. Experimental studies and prediction algorithms are not available or were not evaluated, and the functional significance of this variant is currently unknown. In summary, the available evidence is currently insufficient to determine the role of this variant in disease. Therefore, it has been classified as a Variant of Uncertain Significance.

NM_005245.4(FAT1):c.10321_10323del (p.Ser3441del)

Gene: FAT1 (FAT atypical cadherin 1; minus strand). Cytogenetic location: 4q35.2.
Variant type: Deletion.
Coding change: c.10321_10323del on transcript NM_005245.4 (MANE Select); coding-DNA positions 10321 to 10323, 3 bases deleted (TCC; older notation c.10321_10323delTCC).
Protein change: p.Ser3441del; deletes serine 3441.
Genome position (GRCh38, 1-based): chr4:186,606,097-186,606,099, GGA deleted on the plus strand (TCC on the coding strand, the reverse complement: FAT1 is on the minus strand); deleting any 3 consecutive bases within chr4:186,606,097-186,606,100 gives the same sequence; the c. name uses the placement nearest the transcript's 3' end. VCF-style (leftmost placement, unchanged base first): chr4-186606096-TGGA-T. GRCh37 (hg19) VCF-style: chr4-187527250-TGGA-T.
Other names: short protein forms S3441del.
Identifiers: ClinVar variation 3665467 (VCV003665467.2).